The following is an entry in ClinVar:

NM_007294.4(BRCA1):c.1575del (p.Gln526fs)

Gene: BRCA1 (BRCA1 DNA repair associated; minus strand). Cytogenetic location: 17q21.31.
Variant type: Deletion.
Coding change: c.1575del on transcript NM_007294.4 (MANE Select); coding-DNA position 1575, one base deleted (T; older notation c.1575delT).
Protein change: p.Gln526fs; shifts the reading frame from glutamine 526.
Molecular consequence: frameshift variant. On other transcripts: intron variant (137).
Genome position (GRCh38, 1-based): chr17:43,093,956, A deleted on the plus strand (T on the coding strand, the reverse complement: BRCA1 is on the minus strand); the first of 2 consecutive A bases (chr17:43,093,956-43,093,957); deleting either gives the same sequence. VCF-style (leftmost placement, unchanged base first): chr17-43093955-GA-G. GRCh37 (hg19) VCF-style: chr17-41245972-GA-G.
Other names: 1694delT; c.1362del, p.Gln455fs (NM_001407571.1, NM_001407853.1, NM_001407894.1 and 9 more transcripts); c.1575del, p.Gln526fs (NM_001407581.1, NM_001407582.1, NM_001407583.1 and 30 more transcripts); c.1572del, p.Gln525fs (NM_001407587.1, NM_001407590.1, NM_001407591.1 and 22 more transcripts); c.1566del, p.Gln523fs (NM_001407646.1, NM_001407647.1); c.1452del, p.Gln485fs (NM_001407648.1, NM_001407664.1, NM_001407665.1 and 19 more transcripts); c.1449del, p.Gln484fs (NM_001407649.1, NM_001407670.1, NM_001407671.1 and 11 more transcripts); c.1497del, p.Gln500fs (NM_001407653.1, NM_001407654.1, NM_001407655.1 and 4 more transcripts); and 42 more; short protein forms Q526fs, Q479fs, Q358fs, Q398fs, Q484fs, Q499fs, Q525fs, Q230fs.
Identifiers: ClinVar variation 266174 (VCV000266174.7), dbSNP rs879255478, ClinGen allele CA10589931.

ClinVar aggregate classification (germline): Pathogenic. Review status: reviewed by expert panel (3 of 4 stars). 2 submissions from 2 submitters: Pathogenic (1). 1 of the submissions does not count toward it. Last evaluated 2016-10-18.

Conditions:
Breast-ovarian cancer, familial, susceptibility to, 1 (BROVCA1). Also called: BRCA1 Hereditary Breast and Ovarian Cancer; OVARIAN CANCER, SUSCEPTIBILITY TO. Identifiers: Orphanet 145, MedGen C2676676, MONDO:0011450, OMIM 604370. Disease mechanism: loss of function.

Submissions (2):

Evidence-based Network for the Interpretation of Germline Mutant Alleles (ENIGMA)
Classification: Pathogenic for Breast-ovarian cancer, familial, susceptibility to, 1. Last evaluated: 2016-10-18. Review status: reviewed by expert panel. Criteria: ENIGMA BRCA1/2 Classification Criteria (2015). Collection method: curation. Allele origin: germline.
Comment: Variant allele predicted to encode a truncated non-functional protein.

Consortium of Investigators of Modifiers of BRCA1/2 (CIMBA), c/o University of Cambridge
Classification: Pathogenic for Breast-ovarian cancer, familial, susceptibility to, 1. Last evaluated: 2015-10-02. Review status: criteria provided, single submitter. Criteria: CIMBA Mutation Classification guidelines May 2016. Collection method: clinical testing. Allele origin: germline. Not counted in ClinVar's aggregate classification.